The following is an entry in ClinVar:

NM_014244.5(ADAMTS2):c.70_71insTGCCGCCGCCGCTC (p.Pro24fs)

Gene: ADAMTS2 (ADAM metallopeptidase with thrombospondin type 1 motif 2; minus strand). Cytogenetic location: 5q35.3.
Variant type: Insertion.
Coding change: c.70_71insTGCCGCCGCCGCTC on transcript NM_014244.5 (MANE Select); coding-DNA positions 70 to 71, TGCCGCCGCCGCTC inserted.
Protein change: p.Pro24fs; shifts the reading frame from proline 24.
Molecular consequence: frameshift variant.
Genome position: GRCh38 VCF-style: chr5-179345258-G-GGAGCGGCGGCGGCA. GRCh37 (hg19) VCF-style: chr5-178772259-G-GGAGCGGCGGCGGCA.
Other names: c.70_71insTGCCGCCGCCGCTC, p.Pro24fs (NM_021599.4); short protein forms P24fs.
Identifiers: ClinVar variation 5011222 (VCV005011222.1).

ClinVar aggregate classification (germline): Pathogenic (1 of 4 stars; one submission).

Conditions:
Ehlers-Danlos syndrome, dermatosparaxis type. Also called: EDS VIIC; Dermatosparaxis; Ehlers-Danlos syndrome, type VII, autosomal recessive. Identifiers: Orphanet 1901, MedGen C2700425, MONDO:0009161, OMIM 225410.

Submission:

Myriad Genetics, Inc.
Classification: Pathogenic for Ehlers-Danlos syndrome, dermatosparaxis type. Last evaluated: 2024-05-14. Review status: criteria provided, single submitter. Criteria: Myriad Autosomal Dominant, Autosomal Recessive and X-Linked Classification Criteria (2023). Collection method: clinical testing. Allele origin: unknown.
Comment: NM_014244.4(ADAMTS2):c.70_71ins14(P24Lfs*146) is expected to be pathogenic in the context of Ehlers-Danlos syndrome, ADAMTS2-related. This variant is predicted to lead to an abnormal or absent protein product due to the creation of a premature termination codon in ADAMTS2, a gene where loss-of-function variants are known to be pathogenic. Please note: this variant was assessed in the context of healthy population screening.